The following is an entry in ClinVar:

NM_004390.5(CTSH):c.198C>T (p.Asn66=)

Gene: CTSH (cathepsin H; minus strand). Cytogenetic location: 15q25.1.
Variant type: single nucleotide variant.
Coding change: c.198C>T on transcript NM_004390.5 (MANE Select); coding-DNA position 198, C replaced by T.
Protein change: p.Asn66=; no amino-acid change (asparagine 66 retained).
Molecular consequence: synonymous variant. On other transcripts: 5 prime UTR variant (1).
Genome position (GRCh38, 1-based): chr15:78,937,349, G>A on the plus strand (C>T on the coding strand, the complement: CTSH is on the minus strand). VCF-style: chr15-78937349-G-A. GRCh37 (hg19) VCF-style: chr15-79229691-G-A.
Other names: c.-740C>T (NM_001319137.2); c.84C>T, p.Asn28= (NM_001411095.1).
Identifiers: ClinVar variation 3051073 (VCV003051073.2), dbSNP rs144057694, ClinGen allele CA7687919.
Genomic context (GRCh38, chr15:78,937,349, plus strand): 5'-CCAGGAAGGAAGGAAGGCGTTCCACGTACTTTTAAATGTGTGGTTCCCATTGTTGTGGGC[G>A]TTTATCTTCCTCCAGTTGCTGGCAAACGTCTGCAGCCTGTGGTGGTACTCCTCCGTACTG-3'
Protein context (NP_004381.2, residues 56-76): QTFASNWRKI[Asn66=]AHNNGNHTFK

ClinVar aggregate classification (germline): Likely benign (0 of 4 stars; one submission).

Conditions:
CTSH-related disorder. Also called: CTSH-related condition.

Allele frequency attached by ClinVar (database versions not stated): gnomAD exomes 0.00007; ExAC 0.00019; 1000 Genomes Project 30x 0.00031; 1000 Genomes Project 0.00040; TOPMed 0.00057; gnomAD 0.00063; ESP Exome Variant Server 0.00077.
gnomAD v4.1: 194 of 1,613,914 alleles (0.012%); highest among the groups gnomAD compares: African/African-American, 0.23%; 1 homozygote.

Submission:

PreventionGenetics, part of Exact Sciences
Classification: Likely benign for CTSH-related condition. Last evaluated: 2023-02-14. Review status: no assertion criteria provided. Collection method: clinical testing. Allele origin: germline.
Comment: This variant is classified as likely benign based on ACMG/AMP sequence variant interpretation guidelines (Richards et al. 2015 PMID: 25741868, with internal and published modifications).